The following is an entry in ClinVar:

NM_002661.5(PLCG2):c.2068G>A (p.Val690Ile)

Gene: PLCG2 (phospholipase C gamma 2; plus strand). Cytogenetic location: 16q23.3.
Variant type: single nucleotide variant.
Coding change: c.2068G>A on transcript NM_002661.5 (MANE Select); coding-DNA position 2068, G replaced by A.
Protein change: p.Val690Ile; replaces valine 690 with isoleucine.
Molecular consequence: missense variant.
Genome position (GRCh38, 1-based): chr16:81,919,497, G>A. VCF-style: chr16-81919497-G-A. GRCh37 (hg19) VCF-style: chr16-81953102-G-A.
Other names: c.2068G>A, p.Val690Ile (NM_001425749.1, NM_001425750.1, NM_001425751.1); short protein forms V690I.
Identifiers: ClinVar variation 2848646 (VCV002848646.3), dbSNP rs1382275823, ClinGen allele CA396901843.

ClinVar aggregate classification (germline): Uncertain significance (1 of 4 stars; one submission).

Conditions:
Familial cold autoinflammatory syndrome 3 (FCAS3). Also called: FAMILIAL ATYPICAL COLD URTICARIA; ANTIBODY DEFICIENCY AND IMMUNE DYSREGULATION, PLCG2-ASSOCIATED. Identifiers: Orphanet 300359, MedGen C3280914, MONDO:0013766, OMIM 614468.

gnomAD v4.1: 3 of 1,613,962 alleles (0.00019%); highest among the groups gnomAD compares: African/African-American, 0.0013%; no homozygotes.

Submission:

Labcorp Genetics (formerly Invitae), Labcorp
Classification: Uncertain significance for Familial cold autoinflammatory syndrome 3. Last evaluated: 2023-03-22. Review status: criteria provided, single submitter. Criteria: Invitae Variant Classification Sherloc (09022015). Collection method: clinical testing. Allele origin: germline.
Comment: This sequence change replaces valine, which is neutral and non-polar, with isoleucine, which is neutral and non-polar, at codon 690 of the PLCG2 protein (p.Val690Ile). This variant is not present in population databases (gnomAD no frequency). This variant has not been reported in the literature in individuals affected with PLCG2-related conditions. An algorithm developed to predict the effect of missense changes on protein structure and function (PolyPhen-2) suggests that this variant is likely to be tolerated. In summary, the available evidence is currently insufficient to determine the role of this variant in disease. Therefore, it has been classified as a Variant of Uncertain Significance.